The following is an entry in ClinVar:

ClinVar aggregate classification (germline): Uncertain significance (1 of 4 stars; one submission).

Conditions:
Hereditary cancer-predisposing syndrome. Also called: Neoplastic Syndromes, Hereditary; Tumor predisposition; Hereditary Cancer Syndrome; Hereditary neoplastic syndrome. Identifiers: Orphanet 140162, MedGen C0027672, MeSH D009386, MONDO:0015356.

Submission:

Ambry Genetics
Classification: Uncertain significance for Hereditary cancer-predisposing syndrome. Last evaluated: 2025-05-06. Review status: criteria provided, single submitter. Criteria: Ambry Variant Classification Scheme 2023. Collection method: clinical testing. Allele origin: germline.
Comment: The p.Q996* variant (also known as c.2986C>T), located in coding exon 19 of the BRIP1 gene, results from a C to T substitution at nucleotide position 2986. This changes the amino acid from a glutamine to a stop codon within coding exon 19. This alteration occurs at the 3' terminus of BRIP1 gene, is not expected to trigger nonsense-mediated mRNA decay, and only impacts the last 253 amino acids of the protein. The exact functional impact of these removed amino acids is unknown. While the C-terminal region of the BRIP1 protein has been shown by structural, biochemical, and mutational analysis to be relevant for some aspects of BRIP1 protein function (Gong Z et al. Mol. Cell, 2010 Feb;37:438-46; Leung CC et al. J. Biol. Chem. 2011 Feb; 286(6):4292-301; Xie J et al. PLoS Genet. 2012 Jul; 8(7):e1002786), functional studies have shown that truncations in the 3' terminus of BRIP1 display normal function in response to intra-strand cross-linking agents (Calvo JA et al. Mol Cancer Res, 2021 Jun;19:1015-1025). Based on the available evidence, the clinical significance of this variant remains unclear.

NM_032043.3(BRIP1):c.2986C>T (p.Gln996Ter)

Gene: BRIP1 (BRCA1 interacting DNA helicase 1; minus strand). Cytogenetic location: 17q23.2.
Variant type: single nucleotide variant.
Coding change: c.2986C>T on transcript NM_032043.3 (MANE Select); coding-DNA position 2986, C replaced by T.
Protein change: p.Gln996Ter; replaces glutamine 996 with a stop codon.
Molecular consequence: nonsense.
Genome position (GRCh38, 1-based): chr17:61,684,060, G>A on the plus strand (C>T on the coding strand, the complement: BRIP1 is on the minus strand). VCF-style: chr17-61684060-G-A. GRCh37 (hg19) VCF-style: chr17-59761421-G-A.
Other names: short protein forms Q996*.
Identifiers: ClinVar variation 1798444 (VCV001798444.3), dbSNP rs1567729513, ClinGen allele CA400480601.